The following is an entry in ClinVar:

NM_198904.4(GABRG2):c.1407G>A (p.Trp469Ter)

Gene: GABRG2 (gamma-aminobutyric acid type A receptor subunit gamma2; plus strand). Cytogenetic location: 5q34.
Variant type: single nucleotide variant.
Coding change: c.1407G>A on transcript NM_198904.4 (MANE Select); coding-DNA position 1407, G replaced by A.
Protein change: p.Trp469Ter; replaces tryptophan 469 with a stop codon.
Molecular consequence: nonsense. On other transcripts: 3 prime UTR variant (1).
Genome position (GRCh38, 1-based): chr5:162,153,347, G>A. VCF-style: chr5-162153347-G-A. GRCh37 (hg19) VCF-style: chr5-161580353-G-A.
Other names: c.1404G>A, p.Trp468Ter (NM_001375341.1); c.1383G>A, p.Trp461Ter (NM_000816.3); c.1398G>A, p.Trp466Ter (NM_001375339.1); c.*241G>A (NM_001375340.1); c.1380G>A, p.Trp460Ter (NM_001375342.1); c.1503G>A, p.Trp501Ter (NM_001375343.1); c.1446G>A, p.Trp482Ter (NM_001375344.1); c.1317G>A, p.Trp439Ter (NM_001375345.1); and 6 more; short protein forms W321*, W329*, W366*, W439*, W440*, W447*, W460*, W461*.
Identifiers: ClinVar variation 3897170 (VCV003897170.1).
Genomic context (GRCh38, chr5:162,153,347, plus strand): 5'-GGACTCCTATGCTCGGATCTTCTTCCCCACTGCCTTCTGCCTGTTTAATCTGGTCTATTG[G>A]GTCTCCTACCTCTACCTGTGAGGAGGTATGGGTTTTACTGATATGGTTCTTATTCACTGA-3'

ClinVar aggregate classification (germline): Uncertain significance (1 of 4 stars; one submission).

Submission:

GeneDx
Classification: Uncertain significance. Last evaluated: 2024-11-05. Review status: criteria provided, single submitter. Criteria: GeneDx Variant Classification Process June 2021. Collection method: clinical testing. Allele origin: germline. Affected: yes.
Comment: Nonsense variant predicted to result in protein truncation as the last 7 amino acids are lost; Not observed at significant frequency in large population cohorts (gnomAD); This variant is associated with the following publications: (PMID: 25170319, 23720301)